The following is an entry in ClinVar:

NM_005012.4(ROR1):c.163+1G>A

Gene: ROR1 (receptor tyrosine kinase like orphan receptor 1; plus strand). Cytogenetic location: 1p31.3.
Variant type: single nucleotide variant.
Coding change: c.163+1G>A on transcript NM_005012.4 (MANE Select); the canonical splice donor site of the intron after coding-DNA position 163, G replaced by A.
Molecular consequence: splice donor variant.
Genome position (GRCh38, 1-based): chr1:64,009,377, G>A. VCF-style: chr1-64009377-G-A. GRCh37 (hg19) VCF-style: chr1-64475049-G-A.
Other names: c.163+1G>A (NM_001083592.2).
Identifiers: ClinVar variation 2749573 (VCV002749573.3), dbSNP rs2524694779, ClinGen allele CA340711827.

ClinVar aggregate classification (germline): Uncertain significance (1 of 4 stars; one submission).

Submission:

Labcorp Genetics (formerly Invitae), Labcorp
Classification: Uncertain significance. Last evaluated: 2023-09-08. Review status: criteria provided, single submitter. Criteria: Invitae Variant Classification Sherloc (09022015). Collection method: clinical testing. Allele origin: germline.
Comment: In summary, the available evidence is currently insufficient to determine the role of this variant in disease. Therefore, it has been classified as a Variant of Uncertain Significance. This sequence change affects a donor splice site in intron 2 of the ROR1 gene. It is expected to disrupt RNA splicing. Variants that disrupt the donor or acceptor splice site typically lead to a loss of protein function (PMID: 16199547), however the current clinical and genetic evidence is not sufficient to establish whether loss-of-function variants in ROR1 cause disease. This variant is not present in population databases (gnomAD no frequency). This variant has not been reported in the literature in individuals affected with ROR1-related conditions. Algorithms developed to predict the effect of sequence changes on RNA splicing suggest that this variant may disrupt the consensus splice site.

Literature cited by the submitters: PubMed 16199547.